The following is an entry in ClinVar:

ClinVar aggregate classification (germline): Uncertain significance. Review status: criteria provided, multiple submitters, no conflicts (2 of 4 stars). 2 submissions from 2 submitters: Uncertain significance (2). Last evaluated 2025-10-24.

Conditions:
Familial hemophagocytic lymphohistiocytosis 3 (FHL3). Also called: UNC13D-Related Familial Hemophagocytic Lymphohistiocytosis (UNC13D-fHLH). Identifiers: Orphanet 540, MedGen C1837174, MONDO:0012146, OMIM 608898.
Inborn genetic diseases. Identifiers: MedGen C0950123, MeSH D030342.

Allele frequency attached by ClinVar (database versions not stated): TOPMed below 0.00001.

Submissions (2):

Ambry Genetics
Classification: Uncertain significance for Inborn genetic diseases. Last evaluated: 2025-10-24. Review status: criteria provided, single submitter. Criteria: Ambry Variant Classification Scheme 2023. Collection method: clinical testing. Allele origin: germline.

Labcorp Genetics (formerly Invitae), Labcorp
Classification: Uncertain significance for Familial hemophagocytic lymphohistiocytosis 3. Last evaluated: 2022-05-28. Review status: criteria provided, single submitter. Criteria: Invitae Variant Classification Sherloc (09022015). Collection method: clinical testing. Allele origin: germline.
Comment: This sequence change replaces leucine, which is neutral and non-polar, with glutamine, which is neutral and polar, at codon 724 of the UNC13D protein (p.Leu724Gln). This variant is not present in population databases (gnomAD no frequency). This variant has not been reported in the literature in individuals affected with UNC13D-related conditions. Algorithms developed to predict the effect of missense changes on protein structure and function are either unavailable or do not agree on the potential impact of this missense change (SIFT: "Not Available"; PolyPhen-2: "Probably Damaging"; Align-GVGD: "Not Available"). In summary, the available evidence is currently insufficient to determine the role of this variant in disease. Therefore, it has been classified as a Variant of Uncertain Significance.

NM_199242.3(UNC13D):c.2171T>A (p.Leu724Gln)

Gene: UNC13D (unc-13 homolog D; minus strand). Cytogenetic location: 17q25.1.
Variant type: single nucleotide variant.
Coding change: c.2171T>A on transcript NM_199242.3 (MANE Select); coding-DNA position 2171, T replaced by A.
Protein change: p.Leu724Gln; replaces leucine 724 with glutamine.
Molecular consequence: missense variant.
Genome position (GRCh38, 1-based): chr17:75,834,452, A>T on the plus strand (T>A on the coding strand, the complement: UNC13D is on the minus strand). VCF-style: chr17-75834452-A-T. GRCh37 (hg19) VCF-style: chr17-73830533-A-T.
Other names: short protein forms L724Q.
Identifiers: ClinVar variation 1908906 (VCV001908906.3), dbSNP rs780031692, ClinGen allele CA401088679.